The following is an entry in ClinVar:

ClinVar aggregate classification (germline): Uncertain significance. Review status: criteria provided, multiple submitters, no conflicts (2 of 4 stars). 4 submissions from 4 submitters: Uncertain significance (3). 1 of the submissions does not count toward it. Last evaluated 2024-07-29.

Conditions:
Cardiovascular phenotype. Identifiers: MedGen CN230736.
Alstrom syndrome (ALMS). Identifiers: Orphanet 64, MedGen C0268425, MONDO:0008763, OMIM 203800.

Allele frequency attached by ClinVar (database versions not stated): gnomAD 0.00001; TOPMed 0.00001.
gnomAD v4.1: 5 of 1,613,888 alleles (0.00031%); highest among the groups gnomAD compares: African/African-American, 0.0067%; no homozygotes.

Submissions (4):

GeneDx
Classification: Uncertain significance. Last evaluated: 2024-07-29. Review status: criteria provided, single submitter. Criteria: GeneDx Variant Classification Process June 2021. Collection method: clinical testing. Allele origin: germline. Affected: yes.
Comment: Not observed at significant frequency in large population cohorts (gnomAD); In silico analysis supports that this missense variant has a deleterious effect on protein structure/function; Has not been previously published as pathogenic or benign to our knowledge

Labcorp Genetics (formerly Invitae), Labcorp
Classification: Uncertain significance for Alstrom syndrome. Last evaluated: 2022-07-01. Review status: criteria provided, single submitter. Criteria: Invitae Variant Classification Sherloc (09022015). Collection method: clinical testing. Allele origin: germline.
Comment: This sequence change replaces glutamine, which is neutral and polar, with histidine, which is basic and polar, at codon 318 of the ALMS1 protein (p.Gln318His). This variant is not present in population databases (gnomAD no frequency). This variant has not been reported in the literature in individuals affected with ALMS1-related conditions. ClinVar contains an entry for this variant (Variation ID: 1480379). Experimental studies and prediction algorithms are not available or were not evaluated, and the functional significance of this variant is currently unknown. In summary, the available evidence is currently insufficient to determine the role of this variant in disease. Therefore, it has been classified as a Variant of Uncertain Significance.

Ambry Genetics
Classification: Uncertain significance for Cardiovascular phenotype. Last evaluated: 2019-11-11. Review status: criteria provided, single submitter. Criteria: Ambry Variant Classification Scheme 2023. Collection method: clinical testing. Allele origin: germline.
Comment: The p.Q318H variant (also known as c.954A>C), located in coding exon 5 of the ALMS1 gene, results from an A to C substitution at nucleotide position 954. The glutamine at codon 318 is replaced by histidine, an amino acid with highly similar properties. This amino acid position is well conserved in available vertebrate species. In addition, this alteration is predicted to be tolerated by in silico analysis. Since supporting evidence is limited at this time, the clinical significance of this alteration remains unclear.

Natera, Inc.
Classification: Uncertain significance for Alstrom syndrome. Last evaluated: 2025-03-31. Review status: no assertion criteria provided. Collection method: clinical testing. Allele origin: germline. Not counted in ClinVar's aggregate classification.

NM_001378454.1(ALMS1):c.951A>C (p.Gln317His)

Gene: ALMS1 (ALMS1 centrosome and basal body associated protein; plus strand). Cytogenetic location: 2p13.1.
Variant type: single nucleotide variant.
Coding change: c.951A>C on transcript NM_001378454.1 (MANE Select); coding-DNA position 951, A replaced by C.
Protein change: p.Gln317His; replaces glutamine 317 with histidine.
Molecular consequence: missense variant.
Genome position (GRCh38, 1-based): chr2:73,424,616, A>C. VCF-style: chr2-73424616-A-C. GRCh37 (hg19) VCF-style: chr2-73651744-A-C.
Other names: c.954A>C, p.Gln318His (NM_015120.4); short protein forms Q317H, Q318H.
Identifiers: ClinVar variation 1480379 (VCV001480379.7), dbSNP rs1233763940, ClinGen allele CA347261006.